The following is an entry in ClinVar:

NM_024422.6(DSC2):c.25T>C (p.Ser9Pro)

Genes: DSC2 (desmocollin 2; minus strand), DSCAS (DSC1/DSC2 antisense RNA; plus strand). Cytogenetic location: 18q12.1.
Variant type: single nucleotide variant.
Coding change: c.25T>C on transcript NM_024422.6 (MANE Select); coding-DNA position 25, T replaced by C.
Protein change: p.Ser9Pro; replaces serine 9 with proline.
Molecular consequence: missense variant.
Genome position (GRCh38, 1-based): chr18:31,101,947, A>G on the plus strand (T>C on the coding strand, the complement: DSC2 is on the minus strand). VCF-style: chr18-31101947-A-G. GRCh37 (hg19) VCF-style: chr18-28681910-A-G.
Other names: c.25T>C, p.Ser9Pro (NM_004949.5); short protein forms S9P.
Identifiers: ClinVar variation 4842487 (VCV004842487.1).
Genomic context (GRCh38, chr18:31,101,947, plus strand): 5'-CCGCGGCTACACTCACCGCGAGGGTCAGCAGGAGCAGCCGGCAGAGGGCTCCGTTCCAGG[A>G]GCCGGAGGGGCGGGCTGCCTCCATGGAGAGGGCTCGGGGCAGGTCGCGGGCCGAGCGTCG-3'
Protein context (NP_077740.1, residues 1-19): MEAARPSG[Ser9Pro]WNGALCRLLL

ClinVar aggregate classification (germline): Uncertain significance (1 of 4 stars; one submission).

Conditions:
Cardiovascular phenotype. Identifiers: MedGen CN230736.

gnomAD v4.1: 1 of 1,527,652 alleles (0.000065%); highest among the groups gnomAD compares: Non-Finnish European, 0.000088%; no homozygotes.

Submission:

Ambry Genetics
Classification: Uncertain significance for Cardiovascular phenotype. Last evaluated: 2026-01-02. Review status: criteria provided, single submitter. Criteria: Ambry Variant Classification Scheme 2023. Collection method: clinical testing. Allele origin: germline.
Comment: The p.S9P variant (also known as c.25T>C), located in coding exon 1 of the DSC2 gene, results from a T to C substitution at nucleotide position 25. The serine at codon 9 is replaced by proline, an amino acid with similar properties. This amino acid position is conserved. In addition, this alteration is predicted to be tolerated by in silico analysis. Based on the available evidence, the clinical significance of this variant remains unclear.